The following is an entry in ClinVar:

NM_001386298.1(CIC):c.1629G>A (p.Ala543=)

Gene: CIC (capicua transcriptional repressor; plus strand). Cytogenetic location: 19q13.2.
Variant type: single nucleotide variant.
Coding change: c.1629G>A on transcript NM_001386298.1 (MANE Select); coding-DNA position 1629, G replaced by A.
Protein change: p.Ala543=; no amino-acid change (alanine 543 retained).
Molecular consequence: synonymous variant.
Genome position (GRCh38, 1-based): chr19:42,273,412, G>A. VCF-style: chr19-42273412-G-A. GRCh37 (hg19) VCF-style: chr19-42777564-G-A.
Other names: c.1629G>A, p.Ala543= (NM_001304815.2, NM_001379480.1, NM_001379482.1 and 1 more transcripts).
Identifiers: ClinVar variation 2649957 (VCV002649957.25), dbSNP rs576984662, ClinGen allele CA308615372.

ClinVar aggregate classification (germline): Likely benign. Review status: criteria provided, single submitter (1 of 4 stars). 2 submissions from 2 submitters: Likely benign (1). 1 of the submissions does not count toward it. Last evaluated 2025-09-01.

Conditions:
CIC-related disorder. Also called: CIC-related condition.

Allele frequency attached by ClinVar (database versions not stated): gnomAD exomes 0.00007; 1000 Genomes Project 30x 0.00016; 1000 Genomes Project 0.00020; gnomAD 0.00048; TOPMed 0.00051.

Submissions (2):

CeGaT Center for Human Genetics Tuebingen
Classification: Likely benign. Last evaluated: 2025-09-01. Review status: criteria provided, single submitter. Criteria: CeGaT Center For Human Genetics Tuebingen Variant Classification Criteria Version 2. Collection method: clinical testing. Allele origin: germline. Affected: yes. Observed: 2 variant alleles.
Comment: CIC: BP4, BP7

PreventionGenetics, part of Exact Sciences
Classification: Likely benign for CIC-related condition. Last evaluated: 2021-01-19. Review status: no assertion criteria provided. Collection method: clinical testing. Allele origin: germline. Not counted in ClinVar's aggregate classification.
Comment: This variant is classified as likely benign based on ACMG/AMP sequence variant interpretation guidelines (Richards et al. 2015 PMID: 25741868, with internal and published modifications).